The following is an entry in ClinVar:

ClinVar aggregate classification (germline): Uncertain significance. Review status: criteria provided, multiple submitters, no conflicts (2 of 4 stars). 2 submissions from 2 submitters: Uncertain significance (2). Last evaluated 2023-07-28.

Conditions:
Familial cancer of breast. Also called: Hereditary breast cancer; hereditary breast carcinoma; BREAST CANCER, FAMILIAL. Identifiers: Orphanet 227535, MedGen C0346153, MONDO:0016419, OMIM 114480. Disease mechanism: loss of function.

Submissions (2):

Labcorp Genetics (formerly Invitae), Labcorp
Classification: Uncertain significance for Familial cancer of breast. Last evaluated: 2023-07-28. Review status: criteria provided, single submitter. Criteria: Invitae Variant Classification Sherloc (09022015). Collection method: clinical testing. Allele origin: germline.
Comment: In summary, the available evidence is currently insufficient to determine the role of this variant in disease. Therefore, it has been classified as a Variant of Uncertain Significance. Advanced modeling of protein sequence and biophysical properties (such as structural, functional, and spatial information, amino acid conservation, physicochemical variation, residue mobility, and thermodynamic stability) performed at Invitae indicates that this missense variant is not expected to disrupt PALB2 protein function. ClinVar contains an entry for this variant (Variation ID: 1321380). This variant has not been reported in the literature in individuals affected with PALB2-related conditions. This variant is not present in population databases (gnomAD no frequency). This sequence change replaces serine, which is neutral and polar, with alanine, which is neutral and non-polar, at codon 689 of the PALB2 protein (p.Ser689Ala).

Women's Health and Genetics/Laboratory Corporation of America, LabCorp
Classification: Uncertain significance. Last evaluated: 2021-10-14. Review status: criteria provided, single submitter. Criteria: LabCorp Variant Classification Summary - May 2015. Collection method: clinical testing. Allele origin: germline.

NM_024675.4(PALB2):c.2065T>G (p.Ser689Ala)

Gene: PALB2 (partner and localizer of BRCA2; minus strand). Cytogenetic location: 16p12.2.
Variant type: single nucleotide variant.
Coding change: c.2065T>G on transcript NM_024675.4 (MANE Select); coding-DNA position 2065, T replaced by G.
Protein change: p.Ser689Ala; replaces serine 689 with alanine.
Molecular consequence: missense variant.
Genome position (GRCh38, 1-based): chr16:23,630,089, A>C on the plus strand (T>G on the coding strand, the complement: PALB2 is on the minus strand). VCF-style: chr16-23630089-A-C. GRCh37 (hg19) VCF-style: chr16-23641410-A-C.
Other names: short protein forms S689A.
Identifiers: ClinVar variation 1321380 (VCV001321380.4), dbSNP rs2142382088, ClinGen allele CA395126710.